The following is an entry in ClinVar:

ClinVar aggregate classification (germline): Likely benign (1 of 4 stars; one submission).

gnomAD v4.1: 3 of 1,600,934 alleles (0.00019%); highest among the groups gnomAD compares: Non-Finnish European, 0.00026%; no homozygotes.

Submission:

CeGaT Center for Human Genetics Tuebingen
Classification: Likely benign. Last evaluated: 2025-02-01. Review status: criteria provided, single submitter. Criteria: CeGaT Center For Human Genetics Tuebingen Variant Classification Criteria Version 2. Collection method: clinical testing. Allele origin: germline. Affected: yes. Observed: 1 variant allele.
Comment: PARP16: BP4, BP7

NM_001316943.2(PARP16):c.135G>C (p.Ala45=)

Gene: PARP16 (poly(ADP-ribose) polymerase family member 16; minus strand). Cytogenetic location: 15q22.31.
Variant type: single nucleotide variant.
Coding change: c.135G>C on transcript NM_001316943.2 (MANE Select); coding-DNA position 135, G replaced by C.
Protein change: p.Ala45=; no amino-acid change (alanine 45 retained).
Molecular consequence: synonymous variant.
Genome position (GRCh38, 1-based): chr15:65,286,292, C>G on the plus strand (G>C on the coding strand, the complement: PARP16 is on the minus strand). VCF-style: chr15-65286292-C-G. GRCh37 (hg19) VCF-style: chr15-65578630-C-G.
Other names: c.135G>C, p.Ala45= (NM_001316944.2, NM_017851.6).
Identifiers: ClinVar variation 3772450 (VCV003772450.13).
Genomic context (GRCh38, chr15:65,286,292, plus strand): 5'-GCCAGGACAAAGCACACTCACCAGGGCTTCAAAGTCCTTACAGTCGCCGCGGGCGTAGGA[C>G]GCGGGGAAGGGCCGCAGCACCGAGTCGCGCTTGTAGCTCTGCAGGGCCGAGGCGAAGAGG-3'
Protein context (NP_001303872.1, residues 35-55): KRDSVLRPFP[Ala45=]SYARGDCKDF